The following is an entry in ClinVar:

NM_017696.3(MCM9):c.754C>T (p.Gln252Ter)

Gene: MCM9 (minichromosome maintenance 9 homologous recombination repair factor; minus strand). Cytogenetic location: 6q22.31.
Variant type: single nucleotide variant.
Coding change: c.754C>T on transcript NM_017696.3 (MANE Select); coding-DNA position 754, C replaced by T.
Protein change: p.Gln252Ter; replaces glutamine 252 with a stop codon.
Molecular consequence: nonsense. On other transcripts: 3 prime UTR variant (1), non-coding transcript variant (2).
Genome position (GRCh38, 1-based): chr6:118,917,711, G>A on the plus strand (C>T on the coding strand, the complement: MCM9 is on the minus strand). VCF-style: chr6-118917711-G-A. GRCh37 (hg19) VCF-style: chr6-119238876-G-A.
Other names: c.754C>T, p.Gln252Ter (NM_001378356.1, NM_001378357.1, NM_001378358.1 and 8 more transcripts); c.556C>T, p.Gln186Ter (NM_001378361.1, NM_001378362.1, NM_001378363.1 and 3 more transcripts); c.*21C>T (NM_001378371.1); short protein forms Q186*, Q252*.
Identifiers: ClinVar variation 3897556 (VCV003897556.1).

ClinVar aggregate classification (germline): Likely pathogenic (1 of 4 stars; one submission).

Conditions:
46,XX ovarian dysgenesis-short stature syndrome (ODG4). Also called: OVARIAN DYSGENESIS 4. Identifiers: Orphanet 444048, MedGen C4015409, MONDO:0014520, OMIM 616185.

Submission:

Institute of Immunology and Genetics Kaiserslautern
Classification: Likely pathogenic for 46,XX ovarian dysgenesis-short stature syndrome. Last evaluated: 2025-02-19. Review status: criteria provided, single submitter. Criteria: ACMG Guidelines, 2015. Collection method: clinical testing. Allele origin: germline. Affected: yes.
Comment: ACMG Criteria: PVS1, PM2 ; Variant was found in heterozygous state.